The following is an entry in ClinVar:

NM_000824.5(GLRB):c.215G>A (p.Arg72Lys)

Gene: GLRB (glycine receptor beta; plus strand). Cytogenetic location: 4q32.1.
Variant type: single nucleotide variant.
Coding change: c.215G>A on transcript NM_000824.5 (MANE Select); coding-DNA position 215, G replaced by A.
Protein change: p.Arg72Lys; replaces arginine 72 with lysine.
Molecular consequence: missense variant.
Genome position (GRCh38, 1-based): chr4:157,120,648, G>A. VCF-style: chr4-157120648-G-A. GRCh37 (hg19) VCF-style: chr4-158041800-G-A.
Other names: c.215G>A, p.Arg72Lys (NM_001166060.2, NM_001166061.2); short protein forms R72K.
Identifiers: ClinVar variation 2111274 (VCV002111274.4), dbSNP rs2530019545, ClinGen allele CA358641791.

ClinVar aggregate classification (germline): Uncertain significance (1 of 4 stars; one submission).

Conditions:
Hyperekplexia 2 (HKPX2). Identifiers: Orphanet 3197, MedGen C3553291, MONDO:0013828, OMIM 614619.

Submission:

Labcorp Genetics (formerly Invitae), Labcorp
Classification: Uncertain significance for Hyperekplexia 2. Last evaluated: 2022-08-09. Review status: criteria provided, single submitter. Criteria: Invitae Variant Classification Sherloc (09022015). Collection method: clinical testing. Allele origin: germline.
Comment: Algorithms developed to predict the effect of missense changes on protein structure and function (SIFT, PolyPhen-2, Align-GVGD) all suggest that this variant is likely to be disruptive. In summary, the available evidence is currently insufficient to determine the role of this variant in disease. Therefore, it has been classified as a Variant of Uncertain Significance. This sequence change replaces arginine, which is basic and polar, with lysine, which is basic and polar, at codon 72 of the GLRB protein (p.Arg72Lys). This variant is not present in population databases (gnomAD no frequency). This variant has not been reported in the literature in individuals affected with GLRB-related conditions.